The following is an entry in ClinVar:

ClinVar aggregate classification (germline): Uncertain significance. Review status: criteria provided, multiple submitters, no conflicts (2 of 4 stars). 2 submissions from 2 submitters: Uncertain significance (2). Last evaluated 2023-02-09.

Conditions:
Hereditary cancer-predisposing syndrome. Also called: Hereditary Cancer Syndrome; Hereditary neoplastic syndrome; Neoplastic Syndromes, Hereditary; Tumor predisposition. Identifiers: Orphanet 140162, MedGen C0027672, MeSH D009386, MONDO:0015356.
Hereditary nonpolyposis colorectal neoplasms. Identifiers: MedGen C0009405, MeSH D003123.

Submissions (2):

Labcorp Genetics (formerly Invitae), Labcorp
Classification: Uncertain significance for Hereditary nonpolyposis colorectal neoplasms. Last evaluated: 2023-02-09. Review status: criteria provided, single submitter. Criteria: Invitae Variant Classification Sherloc (09022015). Collection method: clinical testing. Allele origin: germline.
Comment: In summary, the available evidence is currently insufficient to determine the role of this variant in disease. Therefore, it has been classified as a Variant of Uncertain Significance. Advanced modeling of protein sequence and biophysical properties (such as structural, functional, and spatial information, amino acid conservation, physicochemical variation, residue mobility, and thermodynamic stability) performed at Invitae indicates that this missense variant is expected to disrupt PMS2 protein function. ClinVar contains an entry for this variant (Variation ID: 1773935). This variant has not been reported in the literature in individuals affected with PMS2-related conditions. This variant is not present in population databases (gnomAD no frequency). This sequence change replaces serine, which is neutral and polar, with tyrosine, which is neutral and polar, at codon 500 of the PMS2 protein (p.Ser500Tyr).

Ambry Genetics
Classification: Uncertain significance for Hereditary cancer-predisposing syndrome. Last evaluated: 2021-07-29. Review status: criteria provided, single submitter. Criteria: Ambry Variant Classification Scheme 2023. Collection method: clinical testing. Allele origin: germline.
Comment: The p.S500Y variant (also known as c.1499C>A), located in coding exon 11 of the PMS2 gene, results from a C to A substitution at nucleotide position 1499. The serine at codon 500 is replaced by tyrosine, an amino acid with dissimilar properties. This amino acid position is not well conserved in available vertebrate species. In addition, this alteration is predicted to be tolerated by in silico analysis. Since supporting evidence is limited at this time, the clinical significance of this alteration remains unclear.

NM_000535.7(PMS2):c.1499C>A (p.Ser500Tyr)

Gene: PMS2 (PMS1 homolog 2, mismatch repair system component; minus strand). Cytogenetic location: 7p22.1.
Variant type: single nucleotide variant.
Coding change: c.1499C>A on transcript NM_000535.7 (MANE Select); coding-DNA position 1499, C replaced by A.
Protein change: p.Ser500Tyr; replaces serine 500 with tyrosine.
Molecular consequence: missense variant. On other transcripts: non-coding transcript variant (1).
Genome position (GRCh38, 1-based): chr7:5,987,266, G>T on the plus strand (C>A on the coding strand, the complement: PMS2 is on the minus strand). VCF-style: chr7-5987266-G-T. GRCh37 (hg19) VCF-style: chr7-6026897-G-T.
Other names: c.1094C>A, p.Ser365Tyr (NM_001018040.1, NM_001322003.2, NM_001322004.2 and 17 more transcripts); c.1343C>A, p.Ser448Tyr (NM_001322006.2, NM_001406870.1); c.1181C>A, p.Ser394Tyr (NM_001322007.2, NM_001322008.2, NM_001406876.1 and 2 more transcripts); c.938C>A, p.Ser313Tyr (NM_001322010.2, NM_001406906.1, NM_001406907.1); c.566C>A, p.Ser189Tyr (NM_001322011.2, NM_001322012.2); c.926C>A, p.Ser309Tyr (NM_001322013.2, NM_001406909.1); c.1499C>A, p.Ser500Tyr (NM_001322014.2, NM_001406871.1, NM_001406872.1); c.1190C>A, p.Ser397Tyr (NM_001322015.2, NM_001406875.1, NM_001406877.1 and 5 more transcripts); and 12 more; short protein forms S329Y, S345Y, S388Y, S434Y, S444Y, S313Y, S342Y, S508Y.
Identifiers: ClinVar variation 1773935 (VCV001773935.5), dbSNP rs375905814, ClinGen allele CA366741767.
Genomic context (GRCh38, chr7:5,987,266, plus strand): 5'-GCATACTCGCTGCTGCAGTGACTGCCCGTGTCTGGGATGCTGAACCCCTCAGAATCCACG[G>T]AAGTGCTGCCGTGCCCCGAGTCCTTCTCCACCTCCGCTCTGTCCGTAGGGTCACTGGGTC-3'
Protein context (NP_000526.2, residues 490-510): VEKDSGHGST[Ser500Tyr]VDSEGFSIPD